The following is an entry in ClinVar:

ClinVar aggregate classification (germline): Uncertain significance (1 of 4 stars; one submission).

Conditions:
Sulfite oxidase deficiency due to molybdenum cofactor deficiency type A. Also called: Molybdenum cofactor deficiency, complementation group A; Molybdenum Cofactor Deficiency A. Identifiers: Orphanet 308386, Orphanet 833, MedGen C1854988, MONDO:0009643, OMIM 252150.

Allele frequency attached by ClinVar (database versions not stated): gnomAD exomes below 0.00001; TOPMed 0.00001.
gnomAD v4.1: 1 of 1,614,100 alleles (0.000062%); highest among the groups gnomAD compares: African/African-American, 0.0013%; no homozygotes.

Submission:

Labcorp Genetics (formerly Invitae), Labcorp
Classification: Uncertain significance for Sulfite oxidase deficiency due to molybdenum cofactor deficiency type A. Last evaluated: 2022-06-26. Review status: criteria provided, single submitter. Criteria: Invitae Variant Classification Sherloc (09022015). Collection method: clinical testing. Allele origin: germline.
Comment: This sequence change replaces histidine, which is basic and polar, with arginine, which is basic and polar, at codon 448 of the MOCS1 protein (p.His448Arg). This variant is not present in population databases (gnomAD no frequency). This variant has not been reported in the literature in individuals affected with MOCS1-related conditions. Algorithms developed to predict the effect of missense changes on protein structure and function are either unavailable or do not agree on the potential impact of this missense change (SIFT: "Not Available"; PolyPhen-2: "Benign"; Align-GVGD: "Not Available"). In summary, the available evidence is currently insufficient to determine the role of this variant in disease. Therefore, it has been classified as a Variant of Uncertain Significance.

NM_001358530.2(MOCS1):c.1343A>G (p.His448Arg)

Gene: MOCS1 (molybdenum cofactor synthesis 1; minus strand). Cytogenetic location: 6p21.2.
Variant type: single nucleotide variant.
Coding change: c.1343A>G on transcript NM_001358530.2 (MANE Select); coding-DNA position 1343, A replaced by G.
Protein change: p.His448Arg; replaces histidine 448 with arginine.
Molecular consequence: missense variant. On other transcripts: 3 prime UTR variant (4), non-coding transcript variant (1).
Genome position (GRCh38, 1-based): chr6:39,906,925, T>C on the plus strand (A>G on the coding strand, the complement: MOCS1 is on the minus strand). VCF-style: chr6-39906925-T-C. GRCh37 (hg19) VCF-style: chr6-39874701-T-C.
Other names: c.*200A>G (NM_001075098.4, NM_001358533.2, NM_001358534.2 and 1 more transcripts); c.1295A>G, p.His432Arg (NM_001358529.2); c.1082A>G, p.His361Arg (NM_001358531.2); short protein forms H432R, H448R, H361R.
Identifiers: ClinVar variation 2085262 (VCV002085262.1), dbSNP rs939926246, ClinGen allele CA137647392.